The following is an entry in ClinVar:

ClinVar aggregate classification (germline): Uncertain significance (1 of 4 stars; one submission).

Allele frequency attached by ClinVar (database versions not stated): gnomAD exomes 0.00001; ExAC 0.00004; gnomAD 0.00002; TOPMed 0.00002.
gnomAD v4.1: 18 of 1,605,902 alleles (0.0011%); highest among the groups gnomAD compares: South Asian, 0.011%; no homozygotes.

Submission:

Labcorp Genetics (formerly Invitae), Labcorp
Classification: Uncertain significance. Last evaluated: 2025-10-21. Review status: criteria provided, single submitter. Criteria: Invitae Variant Classification Sherloc (09022015). Collection method: clinical testing. Allele origin: germline.
Comment: This sequence change replaces arginine, which is basic and polar, with histidine, which is basic and polar, at codon 108 of the RNF168 protein (p.Arg108His). This variant is present in population databases (rs766545137, gnomAD 0.02%). This variant has not been reported in the literature in individuals affected with RNF168-related conditions. ClinVar contains an entry for this variant (Variation ID: 1969456). An algorithm developed to predict the effect of missense changes on protein structure and function outputs the following: PolyPhen-2: "Benign". The histidine amino acid residue is found in multiple mammalian species, which suggests that this missense change does not adversely affect protein function. In summary, the available evidence is currently insufficient to determine the role of this variant in disease. Therefore, it has been classified as a Variant of Uncertain Significance.

NM_152617.4(RNF168):c.323G>A (p.Arg108His)

Gene: RNF168 (ring finger protein 168; minus strand). Cytogenetic location: 3q29.
Variant type: single nucleotide variant.
Coding change: c.323G>A on transcript NM_152617.4 (MANE Select); coding-DNA position 323, G replaced by A.
Protein change: p.Arg108His; replaces arginine 108 with histidine.
Molecular consequence: missense variant.
Genome position (GRCh38, 1-based): chr3:196,488,662, C>T on the plus strand (G>A on the coding strand, the complement: RNF168 is on the minus strand). VCF-style: chr3-196488662-C-T. GRCh37 (hg19) VCF-style: chr3-196215533-C-T.
Other names: short protein forms R108H.
Identifiers: ClinVar variation 1969456 (VCV001969456.3), dbSNP rs766545137, ClinGen allele CA2780978.